The following is an entry in ClinVar:

ClinVar aggregate classification (germline): Uncertain significance (1 of 4 stars; one submission).

Conditions:
Charcot-Marie-Tooth disease, type I (CMT1). Also called: Charcot-Marie-Tooth, Type 1; Charcot-Marie-Tooth disease type 1. Identifiers: Orphanet 65753, MedGen C0751036, MONDO:0019011.

gnomAD v4.1: 10 of 1,607,790 alleles (0.00062%); highest among the groups gnomAD compares: Non-Finnish European, 0.00085%; no homozygotes.

Submission:

Labcorp Genetics (formerly Invitae), Labcorp
Classification: Uncertain significance for Charcot-Marie-Tooth disease, type I. Last evaluated: 2023-11-21. Review status: criteria provided, single submitter. Criteria: Invitae Variant Classification Sherloc (09022015). Collection method: clinical testing. Allele origin: germline.
Comment: This sequence change replaces alanine, which is neutral and non-polar, with proline, which is neutral and non-polar, at codon 309 of the EGR2 protein (p.Ala309Pro). This variant is not present in population databases (gnomAD no frequency). This variant has not been reported in the literature in individuals affected with EGR2-related conditions. Advanced modeling of protein sequence and biophysical properties (such as structural, functional, and spatial information, amino acid conservation, physicochemical variation, residue mobility, and thermodynamic stability) performed at Invitae indicates that this missense variant is not expected to disrupt EGR2 protein function with a negative predictive value of 80%. In summary, the available evidence is currently insufficient to determine the role of this variant in disease. Therefore, it has been classified as a Variant of Uncertain Significance.

NM_000399.5(EGR2):c.925G>C (p.Ala309Pro)

Gene: EGR2 (early growth response 2; minus strand). Cytogenetic location: 10q21.3.
Variant type: single nucleotide variant.
Coding change: c.925G>C on transcript NM_000399.5 (MANE Select); coding-DNA position 925, G replaced by C.
Protein change: p.Ala309Pro; replaces alanine 309 with proline.
Molecular consequence: missense variant.
Genome position (GRCh38, 1-based): chr10:62,813,713, C>G on the plus strand (G>C on the coding strand, the complement: EGR2 is on the minus strand). VCF-style: chr10-62813713-C-G. GRCh37 (hg19) VCF-style: chr10-64573473-C-G.
Other names: c.964G>C, p.Ala322Pro (NM_001410931.1); c.925G>C, p.Ala309Pro (NM_001136177.3, NM_001136178.2); c.775G>C, p.Ala259Pro (NM_001136179.3, NM_001321037.2); short protein forms A259P, A309P, A322P.
Identifiers: ClinVar variation 2916409 (VCV002916409.3), dbSNP rs2492296070, ClinGen allele CA377028418.